The following is an entry in ClinVar:

ClinVar aggregate classification (germline): Likely benign (1 of 4 stars; one submission).

Conditions:
OTOG-related disorder. Also called: OTOG-related condition.

gnomAD v4.1: 1 of 1,549,672 alleles (0.000065%); highest among the groups gnomAD compares: African/African-American, 0.0014%; no homozygotes.

Submission:

PreventionGenetics, part of Exact Sciences
Classification: Likely benign for OTOG-related condition. Last evaluated: 2024-10-18. Review status: criteria provided, single submitter. Criteria: ACMG Guidelines, 2015. Collection method: clinical testing. Allele origin: germline.
Comment: This variant is classified as likely benign based on ACMG/AMP sequence variant interpretation guidelines (Richards et al. 2015 PMID: 25741868, with internal and published modifications).

NM_001292063.2(OTOG):c.1499-9A>C

Gene: OTOG (otogelin; plus strand). Cytogenetic location: 11p15.1.
Variant type: single nucleotide variant.
Coding change: c.1499-9A>C on transcript NM_001292063.2 (MANE Select); 9 bases into the intron before coding-DNA position 1499, A replaced by C.
Molecular consequence: intron variant.
Genome position (GRCh38, 1-based): chr11:17,561,653, A>C. VCF-style: chr11-17561653-A-C. GRCh37 (hg19) VCF-style: chr11-17583200-A-C.
Other names: c.1535-9A>C (NM_001277269.2).
Identifiers: ClinVar variation 4997804 (VCV004997804.1).